The following is an entry in ClinVar:

NM_024884.3(L2HGDH):c.703+12T>C

Gene: L2HGDH (L-2-hydroxyglutarate dehydrogenase; minus strand). Cytogenetic location: 14q21.3.
Variant type: single nucleotide variant.
Coding change: c.703+12T>C on transcript NM_024884.3 (MANE Select); 12 bases into the intron after coding-DNA position 703, T replaced by C.
Molecular consequence: intron variant.
Genome position (GRCh38, 1-based): chr14:50,283,859, A>G on the plus strand (T>C on the coding strand, the complement: L2HGDH is on the minus strand). VCF-style: chr14-50283859-A-G. GRCh37 (hg19) VCF-style: chr14-50750577-A-G.
Other names: p.?.
Identifiers: ClinVar variation 158801 (VCV000158801.19), dbSNP rs12433038, ClinGen allele CA172458.
Genomic context (GRCh38, chr14:50,283,859, plus strand): 5'-AAAACCACAGATGCAAAACCCATGGATATGGAGGGCTGACTATATTCAATAGAAAAGACA[A>G]GGATGGCTTACCATCTATACTTCTTGAAGGACTTTCTTTAGCCATTTCAATACCTTTTAC-3'

ClinVar aggregate classification (germline): Benign/Likely benign. Review status: criteria provided, multiple submitters, no conflicts (2 of 4 stars). 6 submissions from 6 submitters: Benign (4); Likely benign (2). Last evaluated 2026-02-03.

Conditions:
L-2-hydroxyglutaric aciduria (L2HGA). Identifiers: Orphanet 79314, MedGen C1855995, MONDO:0009370, OMIM 236792, HP:0040144.

Allele frequency attached by ClinVar (database versions not stated): gnomAD 0.50897 and 0.50530; gnomAD exomes 0.53769; ExAC 0.53959; TOPMed 0.49295; ESP Exome Variant Server 0.49962; 1000 Genomes Project 30x 0.50047; 1000 Genomes Project 0.50479.
gnomAD v4.1: 887,072 of 1,609,744 alleles (55%); highest among the groups gnomAD compares: East Asian, 64%; 246,774 homozygotes.

Submissions (6):

Labcorp Genetics (formerly Invitae), Labcorp
Classification: Benign for L-2-hydroxyglutaric aciduria. Last evaluated: 2026-02-03. Review status: criteria provided, single submitter. Criteria: Invitae Variant Classification Sherloc (09022015). Collection method: clinical testing. Allele origin: germline.

Blueprint Genetics
Classification: Benign. Last evaluated: 2024-11-27. Review status: criteria provided, single submitter. Criteria: ACMG Guidelines, 2015. Collection method: clinical testing. Allele origin: germline.

Genome-Nilou Lab
Classification: Benign for L-2-hydroxyglutaric aciduria. Last evaluated: 2021-08-19. Review status: criteria provided, single submitter. Criteria: ACMG Guidelines, 2015. Collection method: clinical testing. Allele origin: germline. Affected: no.

Mayo Clinic Laboratories, Mayo Clinic
Classification: Benign. Last evaluated: 2021-02-24. Review status: criteria provided, single submitter. Criteria: ACMG Guidelines, 2015. Collection method: clinical testing. Allele origin: germline. Observed: 11 variant alleles.

Genetic Services Laboratory, University of Chicago
Classification: Likely benign. Last evaluated: 2013-10-31. Review status: criteria provided, single submitter. Criteria: ACMG Guidelines, 2007. Collection method: clinical testing. Allele origin: germline. Inheritance: Autosomal recessive inheritance.
Comment: Likely benign based on allele frequency in 1000 Genomes Project or ESP global frequency and its presence in a patient with a rare or unrelated disease phenotype. NOT Sanger confirmed

Breakthrough Genomics
Classification: Likely benign. Review status: criteria provided, single submitter. Criteria: ACMG Guidelines, 2015. Collection method: not provided. Allele origin: germline. Inheritance: Autosomal recessive inheritance. Affected: yes.